The following is an entry in ClinVar:

ClinVar aggregate classification (germline): Uncertain significance (1 of 4 stars; one submission).

Submission:

Labcorp Genetics (formerly Invitae), Labcorp
Classification: Uncertain significance. Last evaluated: 2022-08-20. Review status: criteria provided, single submitter. Criteria: Invitae Variant Classification Sherloc (09022015). Collection method: clinical testing. Allele origin: germline.
Comment: This sequence change replaces arginine, which is basic and polar, with glycine, which is neutral and non-polar, at codon 461 of the MMP13 protein (p.Arg461Gly). This variant is not present in population databases (gnomAD no frequency). This variant has not been reported in the literature in individuals affected with MMP13-related conditions. Algorithms developed to predict the effect of missense changes on protein structure and function are either unavailable or do not agree on the potential impact of this missense change (SIFT: "Deleterious"; PolyPhen-2: "Probably Damaging"; Align-GVGD: "Class C0"). In summary, the available evidence is currently insufficient to determine the role of this variant in disease. Therefore, it has been classified as a Variant of Uncertain Significance.

NM_002427.4(MMP13):c.1381C>G (p.Arg461Gly)

Gene: MMP13 (matrix metallopeptidase 13; minus strand). Cytogenetic location: 11q22.2.
Variant type: single nucleotide variant.
Coding change: c.1381C>G on transcript NM_002427.4 (MANE Select); coding-DNA position 1381, C replaced by G.
Protein change: p.Arg461Gly; replaces arginine 461 with glycine.
Molecular consequence: missense variant.
Genome position (GRCh38, 1-based): chr11:102,944,301, G>C on the plus strand (C>G on the coding strand, the complement: MMP13 is on the minus strand). VCF-style: chr11-102944301-G-C. GRCh37 (hg19) VCF-style: chr11-102815030-G-C.
Other names: short protein forms R461G.
Identifiers: ClinVar variation 2192901 (VCV002192901.4), dbSNP rs558960918, ClinGen allele CA382225688.